The following is an entry in ClinVar:

ClinVar aggregate classification (germline): Pathogenic. Review status: criteria provided, multiple submitters, no conflicts (2 of 4 stars). 5 submissions from 5 submitters: Pathogenic (5). Last evaluated 2026-09-18.

Conditions:
COL4A5-related disorder. Also called: COL4A5-related condition.
X-linked Alport syndrome (ATS1). Also called: COL4A5-Related Nephropathy; NEPHROPATHY AND DEAFNESS, X-LINKED. Identifiers: Orphanet 63, Orphanet 88917, MedGen C4746986, MONDO:0010520, OMIM 301050.

Submissions (5):

PreventionGenetics, part of Exact Sciences
Classification: Pathogenic for COL4A5-related condition. Last evaluated: 2026-09-18. Review status: criteria provided, single submitter. Criteria: ACMG Guidelines, 2015. Collection method: clinical testing. Allele origin: germline.
Comment: The COL4A5 c.3614G>A variant is predicted to result in the amino acid substitution p.Gly1205Asp. The p.Gly1205 residue resides in the triple-helical region (residues 42 – 1456) of the COL4A5 protein, where substitutions of the glycine (Gly) residue are usually pathogenic (Hudson et al. 1993. PubMed ID: 8253711). This variant has been reported to be pathogenic for COL4A5-related Alport syndrome (Supplementary Table 1 of Zhou et al. 2023. PubMed ID: 37097554; Xiao et al. 2024. PubMed ID: 38433557). This variant has not been reported in a large population database (gnomAD), indicating this variant is rare. This variant is interpreted as pathogenic.

3billion
Classification: Pathogenic for X-linked Alport syndrome. Last evaluated: 2025-12-09. Review status: criteria provided, single submitter. Criteria: ACMG Guidelines, 2015. Collection method: clinical testing. Allele origin: germline. Affected: yes.
Comment: The variant is not observed in the gnomAD v4.1.0 dataset. Predicted Consequence/Location: The variant is located in a mutational hot spot and/or well-established functional domain in which established pathogenic variants have been reported. In silico tool predictions suggest damaging effect of the variant on gene or gene product [REVEL: 0.98 (>=0.6, sensitivity 0.68 and specificity 0.92); 3Cnet: 0.92 (> 0.75, sensitivity 0.96 and precision 0.92)]. The same nucleotide change resulting in the same amino acid change has been previously reported as pathogenic/likely pathogenic with strong evidence (ClinVar ID: VCV000804588 /PMID: 37097554). Different missense changes at the same codon (p.Gly1205Cys, p.Gly1205Ser, p.Gly1205Val) have been reported as pathogenic/likely pathogenic with strong evidence (ClinVar ID: VCV000523547, VCV001360173 /PMID: 20378821, 35020912, 8940267). Therefore, this variant is classified as Pathogenic according to the recommendation of ACMG/AMP guideline.

Labcorp Genetics (formerly Invitae), Labcorp
Classification: Pathogenic. Last evaluated: 2025-04-01. Review status: criteria provided, single submitter. Criteria: Invitae Variant Classification Sherloc (09022015). Collection method: clinical testing. Allele origin: germline.
Comment: This sequence change replaces glycine, which is neutral and non-polar, with aspartic acid, which is acidic and polar, at codon 1205 of the COL4A5 protein (p.Gly1205Asp). This variant is not present in population databases (gnomAD no frequency). This missense change has been observed in individual(s) with clinical features of Alport syndrome (internal data). ClinVar contains an entry for this variant (Variation ID: 804588). Invitae Evidence Modeling of protein sequence and biophysical properties (such as structural, functional, and spatial information, amino acid conservation, physicochemical variation, residue mobility, and thermodynamic stability) indicates that this missense variant is expected to disrupt COL4A5 protein function with a positive predictive value of 95%. This variant disrupts the triple helix domain of COL4A5. Glycine residues within the Gly-Xaa-Yaa repeats of the triple helix domain are required for the structure and stability of fibrillar collagens (PMID: 7695699, 8218237, 19344236). In COL4A5, missense variants at these glycine residues are significantly enriched in individuals with disease (PMID: 23720012, 27627812) compared to the general population (ExAC). This variant disrupts the p.Gly1205 amino acid residue in COL4A5. Other variant(s) that disrupt this residue have been observed in individuals with COL4A5-related conditions (PMID: 8940267, 20378821), which suggests that this may be a clinically significant amino acid residue. For these reasons, this variant has been classified as Pathogenic.

Fulgent Genetics
Classification: Pathogenic for X-linked Alport syndrome. Last evaluated: 2024-05-25. Review status: criteria provided, single submitter. Criteria: ACMG Guidelines, 2015. Collection method: clinical testing. Allele origin: germline.

Athena Diagnostics
Classification: Pathogenic. Last evaluated: 2018-11-14. Review status: criteria provided, single submitter. Criteria: Athena Diagnostics Criteria. Collection method: clinical testing. Allele origin: germline.
Comment: The variant disrupts a glycine residue in the canonical Gly-X-Y repeats of the triple helix domain, which are required for stability and structure of this protein. Therefore it is expected to severely affect the function of the protein. Found in at least one symptomatic patient, and not found in general population data.

Literature cited by the submitters: PubMed 20378821 (cited by 3billion and Labcorp Genetics (formerly Invitae), Labcorp); PubMed 37097554 (cited by 3billion); PubMed 7695699 (cited by Labcorp Genetics (formerly Invitae), Labcorp); PubMed 8218237 (cited by Labcorp Genetics (formerly Invitae), Labcorp); PubMed 19344236 (cited by Labcorp Genetics (formerly Invitae), Labcorp); PubMed 23720012 (cited by Labcorp Genetics (formerly Invitae), Labcorp); PubMed 27627812 (cited by Labcorp Genetics (formerly Invitae), Labcorp); PubMed 8940267 (cited by Labcorp Genetics (formerly Invitae), Labcorp).

NM_033380.3(COL4A5):c.3614G>A (p.Gly1205Asp)

Gene: COL4A5 (collagen type IV alpha 5 chain; plus strand). Cytogenetic location: Xq22.3.
Variant type: single nucleotide variant.
Coding change: c.3614G>A on transcript NM_033380.3 (MANE Select); coding-DNA position 3614, G replaced by A.
Protein change: p.Gly1205Asp; replaces glycine 1205 with aspartic acid.
Molecular consequence: missense variant.
Genome position (GRCh38, 1-based): chrX:108,668,328, G>A. VCF-style: chrX-108668328-G-A. GRCh37 (hg19) VCF-style: chrX-107911558-G-A.
Other names: c.3614G>A, p.Gly1205Asp (NM_000495.5); c.3614G>A (NM_000495.4); short protein forms G1205D.
Identifiers: ClinVar variation 804588 (VCV000804588.7), dbSNP rs1556446493, ClinGen allele CA413848361.